The following is an entry in ClinVar:

ClinVar aggregate classification (germline): Uncertain significance (1 of 4 stars; one submission).

Conditions:
SHANK1-related disorder. Also called: SHANK1-related condition.

Allele frequency attached by ClinVar (database versions not stated): gnomAD exomes 0.00001; ExAC 0.00005.
gnomAD v4.1: 17 of 1,437,006 alleles (0.0012%); highest among the groups gnomAD compares: Non-Finnish European, 0.0014%; no homozygotes.

Submission:

PreventionGenetics, part of Exact Sciences
Classification: Uncertain significance for SHANK1-related condition. Last evaluated: 2023-07-12. Review status: criteria provided, single submitter. Criteria: ACMG Guidelines, 2015. Collection method: clinical testing. Allele origin: germline.
Comment: The SHANK1 c.4367G>A variant is predicted to result in the amino acid substitution p.Gly1456Glu. To our knowledge, this variant has not been reported in the literature. This variant is reported in 0.0031% of alleles in individuals of European (Non-Finnish) descent in gnomAD. At this time, the clinical significance of this variant is uncertain due to the absence of conclusive functional and genetic evidence.

NM_016148.5(SHANK1):c.4367G>A (p.Gly1456Glu)

Gene: SHANK1 (SH3 and multiple ankyrin repeat domains 1; minus strand). Cytogenetic location: 19q13.33.
Variant type: single nucleotide variant.
Coding change: c.4367G>A on transcript NM_016148.5 (MANE Select); coding-DNA position 4367, G replaced by A.
Protein change: p.Gly1456Glu; replaces glycine 1456 with glutamic acid.
Molecular consequence: missense variant.
Genome position (GRCh38, 1-based): chr19:50,667,593, C>T on the plus strand (G>A on the coding strand, the complement: SHANK1 is on the minus strand). VCF-style: chr19-50667593-C-T. GRCh37 (hg19) VCF-style: chr19-51170850-C-T.
Other names: short protein forms G1456E.
Identifiers: ClinVar variation 2634763 (VCV002634763.1), dbSNP rs769535630, ClinGen allele CA9601200.